The following is an entry in ClinVar:

NM_006950.3(SYN1):c.260C>A (p.Thr87Asn)

Gene: SYN1 (synapsin I; minus strand). Cytogenetic location: Xp11.23.
Variant type: single nucleotide variant.
Coding change: c.260C>A on transcript NM_006950.3 (MANE Select); coding-DNA position 260, C replaced by A.
Protein change: p.Thr87Asn; replaces threonine 87 with asparagine.
Molecular consequence: missense variant.
Genome position (GRCh38, 1-based): chrX:47,619,469, G>T on the plus strand (C>A on the coding strand, the complement: SYN1 is on the minus strand). VCF-style: chrX-47619469-G-T. GRCh37 (hg19) VCF-style: chrX-47478868-G-T.
Other names: c.260C>A, p.Thr87Asn (NM_133499.2); short protein forms T87N.
Identifiers: ClinVar variation 1486755 (VCV001486755.6), dbSNP rs2147933414, ClinGen allele CA412831794.

ClinVar aggregate classification (germline): Uncertain significance (1 of 4 stars; one submission).

Conditions:
Epilepsy, X-linked 1, with variable learning disabilities and behavior disorders. Also called: X-linked epilepsy-learning disabilities-behavior disorders syndrome. Identifiers: Orphanet 85294, MedGen C5774177, MONDO:0010339, OMIM 300491.

Submission:

Labcorp Genetics (formerly Invitae), Labcorp
Classification: Uncertain significance for Epilepsy, X-linked 1, with variable learning disabilities and behavior disorders. Last evaluated: 2021-11-04. Review status: criteria provided, single submitter. Criteria: Invitae Variant Classification Sherloc (09022015). Collection method: clinical testing. Allele origin: germline.
Comment: In summary, the available evidence is currently insufficient to determine the role of this variant in disease. Therefore, it has been classified as a Variant of Uncertain Significance. Algorithms developed to predict the effect of missense changes on protein structure and function are either unavailable or do not agree on the potential impact of this missense change (SIFT: "Deleterious"; PolyPhen-2: "Probably Damaging"; Align-GVGD: "Class C0"). This variant has not been reported in the literature in individuals affected with SYN1-related conditions. This variant is not present in population databases (gnomAD no frequency). This sequence change replaces threonine, which is neutral and polar, with asparagine, which is neutral and polar, at codon 87 of the SYN1 protein (p.Thr87Asn).